The following is an entry in ClinVar:

NM_001458.5(FLNC):c.1936G>A (p.Asp646Asn)

Gene: FLNC (filamin C; plus strand). Cytogenetic location: 7q32.1.
Variant type: single nucleotide variant.
Coding change: c.1936G>A on transcript NM_001458.5 (MANE Select); coding-DNA position 1936, G replaced by A.
Protein change: p.Asp646Asn; replaces aspartic acid 646 with asparagine.
Molecular consequence: missense variant.
Genome position (GRCh38, 1-based): chr7:128,841,292, G>A. VCF-style: chr7-128841292-G-A. GRCh37 (hg19) VCF-style: chr7-128481346-G-A.
Other names: c.1936G>A, p.Asp646Asn (NM_001127487.2); short protein forms D646N.
Identifiers: ClinVar variation 660655 (VCV000660655.15), dbSNP rs372668691, ClinGen allele CA4474535.
Genomic context (GRCh38, chr7:128,841,292, plus strand): 5'-TGCGATGTGCGGTACTGGCCCACGGAGCCTGGGGAGTACGCTGTGCACGTCATCTGTGAC[G>A]ATGAGGACATCCGAGACTCACCCTTCATTGCCCACATCCTGCCCGCCCCACCTGACTGCT-3'
Protein context (NP_001449.3, residues 636-656): GEYAVHVICD[Asp646Asn]EDIRDSPFIA

ClinVar aggregate classification (germline): Conflicting classifications of pathogenicity. Review status: criteria provided, conflicting classifications (1 of 4 stars). 7 submissions from 7 submitters: Uncertain significance (4); Likely benign (1). 2 of the submissions do not count toward it. Last evaluated 2025-12-18.

Conditions:
FLNC-related disorder. Also called: FLNC-related disorders; FLNC-related condition.
Myofibrillar myopathy 5. Also called: Filaminopathy (type); FILAMINOPATHY, AUTOSOMAL DOMINANT. Identifiers: Orphanet 171445, MedGen C1836050, MONDO:0012289, OMIM 609524.
Hypertrophic cardiomyopathy 26. Also called: Cardiomyopathy, familial hypertrophic, 26. Identifiers: Orphanet 75249, MedGen C4310749, MONDO:0014883, OMIM 617047.
Distal myopathy with posterior leg and anterior hand involvement. Also called: WILLIAMS DISTAL MYOPATHY. Identifiers: Orphanet 63273, MedGen C3279722, MONDO:0013550, OMIM 614065.
Cardiovascular phenotype. Identifiers: MedGen CN230736.

Allele frequency attached by ClinVar (database versions not stated): gnomAD 0.00004; TOPMed 0.00005; ESP Exome Variant Server 0.00008.
gnomAD v4.1: 25 of 1,613,960 alleles (0.0015%); highest among the groups gnomAD compares: African/African-American, 0.004%; no homozygotes.

Submissions (7):

PreventionGenetics, part of Exact Sciences
Classification: Uncertain significance for FLNC-related condition. Last evaluated: 2025-12-18. Review status: criteria provided, single submitter. Criteria: ACMG Guidelines, 2015. Collection method: clinical testing. Allele origin: germline.
Comment: The FLNC c.1936G>A variant is predicted to result in the amino acid substitution p.Asp646Asn. This variant has been reported in two individuals with a muscular phenotype; however, with no further clinical data provided (Table 4, Verdonschot et al. 2020. PubMed ID: 32112656; Table S6, Ganapathy et al. 2019. PubMed ID: 31069529). This variant is reported in 0.0033% of alleles in individuals of South Asian descent in gnomAD. At this time, the clinical significance of this variant is uncertain due to the absence of conclusive functional and genetic evidence.

Labcorp Genetics (formerly Invitae), Labcorp
Classification: Likely benign for Distal myopathy with posterior leg and anterior hand involvement; Myofibrillar myopathy 5; Hypertrophic cardiomyopathy 26. Last evaluated: 2025-10-02. Review status: criteria provided, single submitter. Criteria: Invitae Variant Classification Sherloc (09022015). Collection method: clinical testing. Allele origin: germline.

Molecular Diagnostic Laboratory for Inherited Cardiovascular Disease, Montreal Heart Institute
Classification: Uncertain significance for Cardiovascular phenotype. Last evaluated: 2025-04-09. Review status: criteria provided, single submitter. Criteria: ACMG Guidelines, 2015. Collection method: clinical testing. Allele origin: germline. Affected: yes.

Ambry Genetics
Classification: Uncertain significance for Cardiovascular phenotype. Last evaluated: 2024-02-21. Review status: criteria provided, single submitter. Criteria: Ambry Variant Classification Scheme 2023. Collection method: clinical testing. Allele origin: germline.
Comment: The p.D646N variant (also known as c.1936G>A), located in coding exon 12 of the FLNC gene, results from a G to A substitution at nucleotide position 1936. The aspartic acid at codon 646 is replaced by asparagine, an amino acid with highly similar properties. This variant has been detected in an individual with unspecified myopathy; however, details were limited (Verdonschot JAJ et al. Hum Mutat, 2020 Jun;41:1091-1111). This amino acid position is well conserved in available vertebrate species. In addition, this alteration is predicted to be tolerated by in silico analysis. Based on the available evidence, the clinical significance of this alteration remains unclear.

GeneDx
Classification: Uncertain significance. Last evaluated: 2019-04-17. Review status: criteria provided, single submitter. Criteria: GeneDx Variant Classification Process June 2021. Collection method: clinical testing. Allele origin: germline. Affected: yes.
Comment: Not observed at a significant frequency in large population cohorts (Lek et al., 2016); In silico analysis, which includes protein predictors and evolutionary conservation, supports that this variant does not alter protein structure/function; Has not been previously published as pathogenic or benign to our knowledge; This variant is associated with the following publications: (PMID: 32112656)

Genome Diagnostics Laboratory, University Medical Center Utrecht
Classification: Uncertain significance. Review status: no assertion criteria provided. Collection method: clinical testing. Allele origin: germline. Affected: yes. Study: VKGL Data-share Consensus. Not counted in ClinVar's aggregate classification.

Joint Genome Diagnostic Labs from Nijmegen and Maastricht, Radboudumc and MUMC+
Classification: Uncertain significance. Review status: no assertion criteria provided. Collection method: clinical testing. Allele origin: germline. Affected: yes. Study: VKGL Data-share Consensus. Not counted in ClinVar's aggregate classification.

Literature cited by the submitters: PubMed 32112656 (cited by Ambry Genetics).